The following is an entry in ClinVar:

ClinVar aggregate classification (germline): Uncertain significance (1 of 4 stars; one submission).

Conditions:
Idiopathic generalized epilepsy. Also called: Generalised epilepsy; EIG. Identifiers: MedGen C0270850, MONDO:0005579, OMIM 600669.
Hyperaldosteronism, familial, type IV (HALD4). Also called: FH IV; ALDOSTERONISM, PRIMARY, AND HYPERTENSION. Identifiers: Orphanet 642671, MedGen C4310756, MONDO:0014875, OMIM 617027.

gnomAD v4.1: 1 of 1,612,370 alleles (0.000062%); highest among the groups gnomAD compares: Non-Finnish European, 0.000085%; no homozygotes.

Submission:

Labcorp Genetics (formerly Invitae), Labcorp
Classification: Uncertain significance for Idiopathic generalized epilepsy; Hyperaldosteronism, familial, type IV. Last evaluated: 2022-03-20. Review status: criteria provided, single submitter. Criteria: Invitae Variant Classification Sherloc (09022015). Collection method: clinical testing. Allele origin: germline.
Comment: In summary, the available evidence is currently insufficient to determine the role of this variant in disease. Therefore, it has been classified as a Variant of Uncertain Significance. Advanced modeling of protein sequence and biophysical properties (such as structural, functional, and spatial information, amino acid conservation, physicochemical variation, residue mobility, and thermodynamic stability) performed at Invitae indicates that this missense variant is not expected to disrupt CACNA1H protein function. This variant has not been reported in the literature in individuals affected with CACNA1H-related conditions. This variant is not present in population databases (gnomAD no frequency). This sequence change replaces glycine, which is neutral and non-polar, with aspartic acid, which is acidic and polar, at codon 726 of the CACNA1H protein (p.Gly726Asp).

NM_021098.3(CACNA1H):c.2177G>A (p.Gly726Asp)

Gene: CACNA1H (calcium voltage-gated channel subunit alpha1 H; plus strand). Cytogenetic location: 16p13.3.
Variant type: single nucleotide variant.
Coding change: c.2177G>A on transcript NM_021098.3 (MANE Select); coding-DNA position 2177, G replaced by A.
Protein change: p.Gly726Asp; replaces glycine 726 with aspartic acid.
Molecular consequence: missense variant.
Genome position (GRCh38, 1-based): chr16:1,204,184, G>A. VCF-style: chr16-1204184-G-A. GRCh37 (hg19) VCF-style: chr16-1254184-G-A.
Other names: c.2177G>A, p.Gly726Asp (NM_001005407.2); short protein forms G726D.
Identifiers: ClinVar variation 2421048 (VCV002421048.6), dbSNP rs1433384279, ClinGen allele CA394165910.